The following is an entry in ClinVar:

NM_000137.4(FAH):c.565G>A (p.Val189Ile)

Gene: FAH (fumarylacetoacetate hydrolase; plus strand). Cytogenetic location: 15q25.1.
Variant type: single nucleotide variant.
Coding change: c.565G>A on transcript NM_000137.4 (MANE Select); coding-DNA position 565, G replaced by A.
Protein change: p.Val189Ile; replaces valine 189 with isoleucine.
Molecular consequence: missense variant.
Genome position (GRCh38, 1-based): chr15:80,168,275, G>A. VCF-style: chr15-80168275-G-A. GRCh37 (hg19) VCF-style: chr15-80460617-G-A.
Other names: p.Val189Ile; c.565G>A, p.Val189Ile (NM_001374377.1, NM_001374380.1); short protein forms V189I.
Identifiers: ClinVar variation 496929 (VCV000496929.27), dbSNP rs145389125, ClinGen allele CA7691250.

ClinVar aggregate classification (germline): Conflicting classifications of pathogenicity. Review status: criteria provided, conflicting classifications (1 of 4 stars). 7 submissions from 7 submitters: Uncertain significance (2); Likely benign (3). 2 of the submissions do not count toward it. Last evaluated 2026-01-31.

Conditions:
FAH-related disorder. Also called: FAH-related condition.
Tyrosinemia type I (TYRSN1). Also called: Tyrosinemia type 1; Fumarylacetoacetase deficiency; FAH DEFICIENCY; Deficiency of fumarylacetoacetase; HEPATORENAL TYROSINEMIA. Identifiers: Orphanet 882, MedGen C0268490, MONDO:0010161, OMIM 276700. Disease mechanism: loss of function.

Allele frequency attached by ClinVar (database versions not stated): ExAC 0.00048; ESP Exome Variant Server 0.00077; gnomAD 0.00108 and 0.00110; TOPMed 0.00130; 1000 Genomes Project 30x 0.00234; 1000 Genomes Project 0.00240.
gnomAD v4.1: 600 of 1,601,440 alleles (0.037%); highest among the groups gnomAD compares: East Asian, 0.35%; 3 homozygotes.

Submissions (7):

Labcorp Genetics (formerly Invitae), Labcorp
Classification: Likely benign for Tyrosinemia type I. Last evaluated: 2026-01-31. Review status: criteria provided, single submitter. Criteria: Invitae Variant Classification Sherloc (09022015). Collection method: clinical testing. Allele origin: germline.

Mayo Clinic Laboratories, Mayo Clinic
Classification: Likely benign. Last evaluated: 2024-11-05. Review status: criteria provided, single submitter. Criteria: ACMG Guidelines, 2015. Collection method: clinical testing. Allele origin: germline. Observed: 3 variant alleles.
Comment: BS1, BP2

Blueprint Genetics
Classification: Uncertain significance. Last evaluated: 2024-10-09. Review status: criteria provided, single submitter. Criteria: ACMG Guidelines, 2015. Collection method: clinical testing. Allele origin: germline.

Illumina Laboratory Services, Illumina
Classification: Uncertain significance for Tyrosinemia type I. Last evaluated: 2018-01-13. Review status: criteria provided, single submitter. Criteria: ICSL Variant Classification Criteria 13 December 2019. Collection method: clinical testing. Allele origin: germline.

Eurofins Ntd Llc (ga)
Classification: Likely benign. Last evaluated: 2016-09-28. Review status: criteria provided, single submitter. Criteria: EGL Classification Definitions 2015. Collection method: clinical testing. Allele origin: germline. Observed: 1 variant allele, 1 heterozygote.

PreventionGenetics, part of Exact Sciences
Classification: Likely benign for FAH-related condition. Last evaluated: 2022-03-25. Review status: no assertion criteria provided. Collection method: clinical testing. Allele origin: germline. Not counted in ClinVar's aggregate classification.
Comment: This variant is classified as likely benign based on ACMG/AMP sequence variant interpretation guidelines (Richards et al. 2015 PMID: 25741868, with internal and published modifications).

Natera, Inc.
Classification: Uncertain significance for Tyrosinemia type I. Last evaluated: 2020-04-24. Review status: no assertion criteria provided. Collection method: clinical testing. Allele origin: germline. Not counted in ClinVar's aggregate classification.

Literature cited by the submitters: PubMed 30581635 (cited by Mayo Clinic Laboratories, Mayo Clinic); PubMed 35800472 (cited by Mayo Clinic Laboratories, Mayo Clinic).